The following is an entry in ClinVar:

NM_002047.4(GARS1):c.1138G>A (p.Ala380Thr)

Gene: GARS1 (glycyl-tRNA synthetase 1; plus strand). Cytogenetic location: 7p14.3.
Variant type: single nucleotide variant.
Coding change: c.1138G>A on transcript NM_002047.4 (MANE Select); coding-DNA position 1138, G replaced by A.
Protein change: p.Ala380Thr; replaces alanine 380 with threonine.
Molecular consequence: missense variant.
Genome position (GRCh38, 1-based): chr7:30,616,002, G>A. VCF-style: chr7-30616002-G-A. GRCh37 (hg19) VCF-style: chr7-30655618-G-A.
Other names: c.1138G>A (LRG_243t1); c.976G>A, p.Ala326Thr (NM_001316772.1); short protein forms A380T, A326T.
Identifiers: ClinVar variation 543205 (VCV000543205.8), dbSNP rs772145843, ClinGen allele CA4205898.

ClinVar aggregate classification (germline): Uncertain significance (1 of 4 stars; one submission).

Conditions:
Charcot-Marie-Tooth disease type 2. Also called: Charcot-Marie-Tooth type 2. Identifiers: Orphanet 64746, MedGen C0270914, MONDO:0018993.

Allele frequency attached by ClinVar (database versions not stated): gnomAD 0.00001; gnomAD exomes 0.00002 and 0.00001; TOPMed below 0.00001; ExAC 0.00002.
gnomAD v4.1: 9 of 1,614,198 alleles (0.00056%); highest among the groups gnomAD compares: East Asian, 0.018%; no homozygotes.

Submission:

Labcorp Genetics (formerly Invitae), Labcorp
Classification: Uncertain significance for Charcot-Marie-Tooth disease type 2. Last evaluated: 2017-10-25. Review status: criteria provided, single submitter. Criteria: Invitae Variant Classification Sherloc (09022015). Collection method: clinical testing. Allele origin: germline.
Comment: In summary, the available evidence is currently insufficient to determine the role of this variant in disease. Therefore, it has been classified as a Variant of Uncertain Significance. Algorithms developed to predict the effect of missense changes on protein structure and function do not agree on the potential impact of this missense change (SIFT: "Tolerated"; PolyPhen-2: "Possibly Damaging"; Align-GVGD: "Class C0"). This variant has not been reported in the literature in individuals with GARS-related disease. This variant is present in population databases (rs772145843, ExAC 0.02%). This sequence change replaces alanine with threonine at codon 380 of the GARS protein (p.Ala380Thr). The alanine residue is moderately conserved and there is a small physicochemical difference between alanine and threonine.